The following is an entry in ClinVar:

NM_016239.4(MYO15A):c.6071A>G (p.Gln2024Arg)

Gene: MYO15A (myosin XVA; plus strand). Cytogenetic location: 17p11.2.
Variant type: single nucleotide variant.
Coding change: c.6071A>G on transcript NM_016239.4 (MANE Select); coding-DNA position 6071, A replaced by G.
Protein change: p.Gln2024Arg; replaces glutamine 2024 with arginine.
Molecular consequence: missense variant.
Genome position (GRCh38, 1-based): chr17:18,143,894, A>G. VCF-style: chr17-18143894-A-G. GRCh37 (hg19) VCF-style: chr17-18047208-A-G.
Other names: short protein forms Q2024R.
Identifiers: ClinVar variation 5039098 (VCV005039098.1).

ClinVar aggregate classification (germline): Uncertain significance (1 of 4 stars; one submission).

gnomAD v4.1: 31 of 1,591,232 alleles (0.0019%); highest among the groups gnomAD compares: Non-Finnish European, 0.0022%; no homozygotes.

Submission:

CeGaT Center for Human Genetics Tuebingen
Classification: Uncertain significance. Last evaluated: 2026-08-01. Review status: criteria provided, single submitter. Criteria: CeGaT Center For Human Genetics Tuebingen Variant Classification Criteria Version 2. Collection method: clinical testing. Allele origin: germline. Affected: yes. Observed: 1 variant allele.
Comment: MYO15A: PM2, BP4